The following is an entry in ClinVar:

NM_177402.5(SYT2):c.923C>T (p.Pro308Leu)

Gene: SYT2 (synaptotagmin 2; minus strand). Cytogenetic location: 1q32.1.
Variant type: single nucleotide variant.
Coding change: c.923C>T on transcript NM_177402.5 (MANE Select); coding-DNA position 923, C replaced by T.
Protein change: p.Pro308Leu; replaces proline 308 with leucine.
Molecular consequence: missense variant.
Genome position (GRCh38, 1-based): chr1:202,599,348, G>A on the plus strand (C>T on the coding strand, the complement: SYT2 is on the minus strand). VCF-style: chr1-202599348-G-A. GRCh37 (hg19) VCF-style: chr1-202568476-G-A.
Other names: c.923C>T, p.Pro308Leu (NM_001136504.1); short protein forms P308L.
Identifiers: ClinVar variation 156369 (VCV000156369.15), dbSNP rs587777782, ClinGen allele CA215041.

ClinVar aggregate classification (germline): Conflicting classifications of pathogenicity. Review status: criteria provided, conflicting classifications (1 of 4 stars). 6 submissions from 6 submitters: Pathogenic (1); Likely pathogenic (2); Uncertain significance (1). 2 of the submissions do not count toward it. Last evaluated 2024-04-17.

Conditions:
Inborn genetic diseases. Identifiers: MedGen C0950123, MeSH D030342.
Congenital myasthenic syndrome 7. Also called: Myasthenic syndrome, congenital, 7, presynaptic; MYASTHENIC SYNDROME, CONGENITAL, 7A, PRESYNAPTIC, AND DISTAL MOTOR NEUROPATHY, AUTOSOMAL DOMINANT. Identifiers: Orphanet 590, MedGen C4015038, MONDO:0014468, OMIM 616040.

Submissions (6):

Greenwood Genetic Center Diagnostic Laboratories, Greenwood Genetic Center
Classification: Likely pathogenic for Congenital myasthenic syndrome 7. Last evaluated: 2024-04-17. Review status: criteria provided, single submitter. Criteria: ACMG Guidelines, 2015. Collection method: clinical testing. Allele origin: germline. Affected: yes.
Comment: PS3_Moderate, PS4_Supporting, PM2, PP1, PP3

Labcorp Genetics (formerly Invitae), Labcorp
Classification: Pathogenic. Last evaluated: 2024-03-11. Review status: criteria provided, single submitter. Criteria: Invitae Variant Classification Sherloc (09022015). Collection method: clinical testing. Allele origin: germline.
Comment: This sequence change replaces proline, which is neutral and non-polar, with leucine, which is neutral and non-polar, at codon 308 of the SYT2 protein (p.Pro308Leu). This variant is not present in population databases (gnomAD no frequency). This missense change has been observed in individual(s) with autosomal dominant congenital myasthenic syndrome (PMID: 25192047). It has also been observed to segregate with disease in related individuals. ClinVar contains an entry for this variant (Variation ID: 156369). Advanced modeling of protein sequence and biophysical properties (such as structural, functional, and spatial information, amino acid conservation, physicochemical variation, residue mobility, and thermodynamic stability) performed at Invitae indicates that this missense variant is expected to disrupt SYT2 protein function with a positive predictive value of 80%. Experimental studies have shown that this missense change affects SYT2 function (PMID: 28953919). For these reasons, this variant has been classified as Pathogenic.

Genetics and Molecular Pathology, SA Pathology
Classification: Likely pathogenic for Congenital myasthenic syndrome 7. Last evaluated: 2022-02-04. Review status: criteria provided, single submitter. Criteria: ACMG Guidelines, 2015. Collection method: clinical testing. Allele origin: germline. Inheritance: Autosomal dominant inheritance. Affected: yes.
Comment: The SYT2 c.923C>T variant is classified as Likely Pathogenic (PS4_supporting, PM2, PP1_strong, PP3) The SYT2 c.923C>T variant is a single nucleotide change in exon 8/9 of the SYT2 gene, which is predicted to change the amino acid proline at position 308 in the protein to leucine. This variant has been reported to co-segregate with disease in a UK family with several affected individuals over four generations. This family presented with childhood-onset foot deformities, lower limb weakness and wasting with areflexia. In some cases additional fatigability of the eye and limb muscles was observed (PMID:26519543, PMID:26519543) (PS4_supporting, PP1-strong). This variant is in dbSNP (rs587777782), but is absent from population databases (PM2). This variant has been reported in ClinVar as pathogenic for Myasthenic syndrome, congenital, presynaptic by another diagnostic laboratory (ClinVar Variation ID: 156369) and also as damaging for nonprogressive motor neuropathy in the disease database HGMD (CM149796). Computational predictions support a deleterious effect on the gene or gene product (PP3).

Ambry Genetics
Classification: Uncertain significance for Inborn genetic diseases. Last evaluated: 2019-06-11. Review status: criteria provided, single submitter. Criteria: Ambry exome assertion method (8-5-2015). Collection method: clinical testing. Allele origin: germline. Affected: yes. Observed: 1 variant allele.

OMIM
Classification: Pathogenic for MYASTHENIC SYNDROME, CONGENITAL, 7A, PRESYNAPTIC, AND DISTAL MOTOR NEUROPATHY, AUTOSOMAL DOMINANT. Last evaluated: 2014-09-04. Review status: no assertion criteria provided. Collection method: literature only. Allele origin: germline. Not counted in ClinVar's aggregate classification.

Genomics England Pilot Project, Genomics England
Classification: Pathogenic for Congenital myasthenic syndrome 7. Review status: no assertion criteria provided. Criteria: ACGS Guidelines, 2016. Collection method: clinical testing. Allele origin: germline. Affected: yes. Not counted in ClinVar's aggregate classification.

Literature cited by the submitters: PubMed 25192047 (cited by 3 submitters); PubMed 28953919 (cited by Labcorp Genetics (formerly Invitae), Labcorp); PubMed 26519543 (cited by Genetics and Molecular Pathology, SA Pathology and Ambry Genetics).